The following is an entry in ClinVar:

NM_032977.4(CASP10):c.502A>G (p.Thr168Ala)

Gene: CASP10 (caspase 10; plus strand). Cytogenetic location: 2q33.1.
Variant type: single nucleotide variant.
Coding change: c.502A>G on transcript NM_032977.4 (MANE Select); coding-DNA position 502, A replaced by G.
Protein change: p.Thr168Ala; replaces threonine 168 with alanine.
Molecular consequence: missense variant.
Genome position (GRCh38, 1-based): chr2:201,193,044, A>G. VCF-style: chr2-201193044-A-G. GRCh37 (hg19) VCF-style: chr2-202057767-A-G.
Other names: c.502A>G, p.Thr168Ala (NM_001206524.2, NM_001206542.2, NM_001230.5 and 3 more transcripts); short protein forms T168A.
Identifiers: ClinVar variation 895424 (VCV000895424.14), dbSNP rs371962581, ClinGen allele CA2052889.

ClinVar aggregate classification (germline): Uncertain significance. Review status: criteria provided, multiple submitters, no conflicts (2 of 4 stars). 3 submissions from 3 submitters: Uncertain significance (3). Last evaluated 2025-03-18.

Conditions:
Autoimmune lymphoproliferative syndrome type 2A (ALPS2A). Also called: Autoimmune lymphoproliferative syndrome type 2; CASP10-Related Autoimmune Lymphoproliferative Syndrome; AUTOIMMUNE LYMPHOPROLIFERATIVE SYNDROME, TYPE IIA. Identifiers: Orphanet 3261, MedGen C1858968, MONDO:0011383, OMIM 603909.

Allele frequency attached by ClinVar (database versions not stated): ExAC 0.00001; gnomAD 0.00001; gnomAD exomes 0.00001; TOPMed 0.00001; ESP Exome Variant Server 0.00008.
gnomAD v4.1: 16 of 1,613,696 alleles (0.00099%); highest among the groups gnomAD compares: Non-Finnish European, 0.0014%; no homozygotes.

Submissions (3):

Labcorp Genetics (formerly Invitae), Labcorp
Classification: Uncertain significance for Autoimmune lymphoproliferative syndrome type 2A. Last evaluated: 2025-03-18. Review status: criteria provided, single submitter. Criteria: Invitae Variant Classification Sherloc (09022015). Collection method: clinical testing. Allele origin: germline.
Comment: This sequence change replaces threonine, which is neutral and polar, with alanine, which is neutral and non-polar, at codon 168 of the CASP10 protein (p.Thr168Ala). This variant is present in population databases (rs371962581, gnomAD 0.003%). This variant has not been reported in the literature in individuals affected with CASP10-related conditions. ClinVar contains an entry for this variant (Variation ID: 895424). Invitae Evidence Modeling of protein sequence and biophysical properties (such as structural, functional, and spatial information, amino acid conservation, physicochemical variation, residue mobility, and thermodynamic stability) indicates that this missense variant is not expected to disrupt CASP10 protein function with a negative predictive value of 80%. In summary, the available evidence is currently insufficient to determine the role of this variant in disease. Therefore, it has been classified as a Variant of Uncertain Significance.

Baylor Genetics
Classification: Uncertain significance for Autoimmune lymphoproliferative syndrome type 2A. Last evaluated: 2020-08-27. Review status: criteria provided, single submitter. Criteria: ACMG Guidelines, 2015. Collection method: clinical testing. Allele origin: unknown. Affected: yes.
Comment: This variant was determined to be of uncertain significance according to ACMG Guidelines, 2015 [PMID:25741868].

Illumina Laboratory Services, Illumina
Classification: Uncertain significance for Autoimmune lymphoproliferative syndrome type 2A. Last evaluated: 2018-01-13. Review status: criteria provided, single submitter. Criteria: ICSL Variant Classification Criteria 13 December 2019. Collection method: clinical testing. Allele origin: germline.